The following is an entry in ClinVar:

ClinVar aggregate classification (germline): Uncertain significance. Review status: criteria provided, multiple submitters, no conflicts (2 of 4 stars). 2 submissions from 2 submitters: Uncertain significance (2). Last evaluated 2025-03-10.

Conditions:
Microcephaly, normal intelligence and immunodeficiency (NBS). Also called: Nijmegen breakage syndrome; Microcephaly with normal intelligence immunodeficiency and lymphoreticular malignancies; Nonsyndromal microcephaly autosomal recessive with normal intelligence; Seemanova syndrome 2; IMMUNODEFICIENCY, MICROCEPHALY, AND CHROMOSOMAL INSTABILITY; Ataxia telangiectasia variant V1. Identifiers: Orphanet 647, MedGen C0398791, MONDO:0009623, OMIM 251260.
Hereditary cancer-predisposing syndrome. Also called: Hereditary neoplastic syndrome; Hereditary Cancer Syndrome; Tumor predisposition; Neoplastic Syndromes, Hereditary. Identifiers: Orphanet 140162, MedGen C0027672, MeSH D009386, MONDO:0015356.

Allele frequency attached by ClinVar (database versions not stated): TOPMed below 0.00001; gnomAD exomes 0.00001; ExAC 0.00002.
gnomAD v4.1: 7 of 1,612,458 alleles (0.00043%); highest among the groups gnomAD compares: South Asian, 0.0011%; no homozygotes.

Submissions (2):

Ambry Genetics
Classification: Uncertain significance for Hereditary cancer-predisposing syndrome. Last evaluated: 2025-03-10. Review status: criteria provided, single submitter. Criteria: Ambry Variant Classification Scheme 2023. Collection method: clinical testing. Allele origin: germline.
Comment: The p.L708V variant (also known as c.2122C>G), located in coding exon 14 of the NBN gene, results from a C to G substitution at nucleotide position 2122. The leucine at codon 708 is replaced by valine, an amino acid with highly similar properties. This amino acid position is conserved. In addition, the in silico prediction for this alteration is inconclusive. Since supporting evidence is limited at this time, the clinical significance of this alteration remains unclear.

Labcorp Genetics (formerly Invitae), Labcorp
Classification: Uncertain significance for Microcephaly, normal intelligence and immunodeficiency. Last evaluated: 2022-09-06. Review status: criteria provided, single submitter. Criteria: Invitae Variant Classification Sherloc (09022015). Collection method: clinical testing. Allele origin: germline.
Comment: Algorithms developed to predict the effect of missense changes on protein structure and function are either unavailable or do not agree on the potential impact of this missense change (SIFT: "Tolerated"; PolyPhen-2: "Probably Damaging"; Align-GVGD: "Class C0"). ClinVar contains an entry for this variant (Variation ID: 971221). This variant has not been reported in the literature in individuals affected with NBN-related conditions. This variant is present in population databases (rs756580887, gnomAD 0.002%). This sequence change replaces leucine, which is neutral and non-polar, with valine, which is neutral and non-polar, at codon 708 of the NBN protein (p.Leu708Val). In summary, the available evidence is currently insufficient to determine the role of this variant in disease. Therefore, it has been classified as a Variant of Uncertain Significance.

NM_002485.5(NBN):c.2122C>G (p.Leu708Val)

Gene: NBN (nibrin; minus strand). Cytogenetic location: 8q21.3.
Variant type: single nucleotide variant.
Coding change: c.2122C>G on transcript NM_002485.5 (MANE Select); coding-DNA position 2122, C replaced by G.
Protein change: p.Leu708Val; replaces leucine 708 with valine.
Molecular consequence: missense variant.
Genome position (GRCh38, 1-based): chr8:89,943,315, G>C on the plus strand (C>G on the coding strand, the complement: NBN is on the minus strand). VCF-style: chr8-89943315-G-C. GRCh37 (hg19) VCF-style: chr8-90955543-G-C.
Other names: c.1876C>G, p.Leu626Val (NM_001024688.3); short protein forms L708V, L626V.
Identifiers: ClinVar variation 971221 (VCV000971221.11), dbSNP rs756580887, ClinGen allele CA4802603.
Genomic context (GRCh38, chr8:89,943,315, plus strand): 5'-CCATTTCCTGCCTTAGCCACTCTTCTAGTTCTGTATTCTTTCGAGCATGATGAGCTATTA[G>C]ATCTGATCCTCCAATGATGTGTGGAAGTTTTCCTGCTCCAGGATATGTGACCTATTGAAT-3'
Protein context (NP_002476.2, residues 698-718): KLPHIIGGSD[Leu708Val]IAHHARKNTE